The following is an entry in ClinVar:

ClinVar aggregate classification (germline): Likely benign (0 of 4 stars; one submission).

Conditions:
FLCN-related disorder. Also called: FLCN-related condition.

Allele frequency attached by ClinVar (database versions not stated): 1000 Genomes Project 30x 0.00016; 1000 Genomes Project 0.00020.
gnomAD v4.1: 9 of 152,292 alleles (0.0059%); highest among the groups gnomAD compares: African/African-American, 0.022%; no homozygotes.

Submission:

PreventionGenetics, part of Exact Sciences
Classification: Likely benign for FLCN-related condition. Last evaluated: 2023-05-04. Review status: no assertion criteria provided. Collection method: clinical testing. Allele origin: germline.
Comment: This variant is classified as likely benign based on ACMG/AMP sequence variant interpretation guidelines (Richards et al. 2015 PMID: 25741868, with internal and published modifications).

NM_144997.7(FLCN):c.-452C>A

Gene: FLCN (folliculin; minus strand). Cytogenetic location: 17p11.2.
Variant type: single nucleotide variant.
Coding change: c.-452C>A on transcript NM_144997.7 (MANE Select); 452 bases upstream of the start codon, C replaced by A.
Molecular consequence: 5 prime UTR variant.
Genome position (GRCh38, 1-based): chr17:17,237,136, G>T on the plus strand (C>A on the coding strand, the complement: FLCN is on the minus strand). VCF-style: chr17-17237136-G-T. GRCh37 (hg19) VCF-style: chr17-17140450-G-T.
Other names: c.-660C>A (NM_001353229.2); c.-735C>A (NM_001353230.2); c.-651C>A (NM_001353231.2); c.-452C>A (NM_144606.7).
Identifiers: ClinVar variation 3031252 (VCV003031252.2), dbSNP rs562310783, ClinGen allele CA288329632.